The following is an entry in ClinVar:

ClinVar aggregate classification (germline): Uncertain significance (1 of 4 stars; one submission).

Submission:

GeneDx
Classification: Uncertain significance. Last evaluated: 2025-08-14. Review status: criteria provided, single submitter. Criteria: GeneDx Variant Classification Process June 2021. Collection method: clinical testing. Allele origin: germline. Affected: yes.
Comment: Not observed at significant frequency in large population cohorts (gnomAD); In silico analysis supports that this missense variant has a deleterious effect on protein structure/function; Has not been previously published as pathogenic or benign to our knowledge; This variant is associated with the following publications: (PMID: 18199528)

NM_000038.6(APC):c.6992C>G (p.Pro2331Arg)

Gene: APC (APC regulator of Wnt signaling pathway; plus strand). Cytogenetic location: 5q22.2.
Variant type: single nucleotide variant.
Coding change: c.6992C>G on transcript NM_000038.6 (MANE Select); coding-DNA position 6992, C replaced by G.
Protein change: p.Pro2331Arg; replaces proline 2331 with arginine.
Molecular consequence: missense variant. On other transcripts: non-coding transcript variant (2).
Genome position (GRCh38, 1-based): chr5:112,842,586, C>G. VCF-style: chr5-112842586-C-G. GRCh37 (hg19) VCF-style: chr5-112178283-C-G.
Other names: c.6992C>G, p.Pro2331Arg (NM_001127510.3, NM_001354895.2, NM_001407450.1); c.6938C>G, p.Pro2313Arg (NM_001127511.3); c.7046C>G, p.Pro2349Arg (NM_001354896.2, NM_001407447.1, NM_001407448.1 and 1 more transcripts); c.7022C>G, p.Pro2341Arg (NM_001354897.2); c.6917C>G, p.Pro2306Arg (NM_001354898.2); c.6908C>G, p.Pro2303Arg (NM_001354899.2); c.6869C>G, p.Pro2290Arg (NM_001354900.2); c.6815C>G, p.Pro2272Arg (NM_001354901.2, NM_001407453.1); and 11 more; short protein forms P2202R, P2248R, P2349R, P2048R, P2171R, P2240R, P2313R, P2205R.
Identifiers: ClinVar variation 4795749 (VCV004795749.1).